The following is an entry in ClinVar:

NM_004370.6(COL12A1):c.3961A>G (p.Lys1321Glu)

Gene: COL12A1 (collagen type XII alpha 1 chain; minus strand). Cytogenetic location: 6q13.
Variant type: single nucleotide variant.
Coding change: c.3961A>G on transcript NM_004370.6 (MANE Select); coding-DNA position 3961, A replaced by G.
Protein change: p.Lys1321Glu; replaces lysine 1321 with glutamic acid.
Molecular consequence: missense variant.
Genome position (GRCh38, 1-based): chr6:75,151,906, T>C on the plus strand (A>G on the coding strand, the complement: COL12A1 is on the minus strand). VCF-style: chr6-75151906-T-C. GRCh37 (hg19) VCF-style: chr6-75861622-T-C.
Other names: c.469A>G, p.Lys157Glu (NM_080645.3); short protein forms K1321E, K157E.
Identifiers: ClinVar variation 2428909 (VCV002428909.3), dbSNP rs934694981, ClinGen allele CA141004654.

ClinVar aggregate classification (germline): Uncertain significance (1 of 4 stars; one submission).

Allele frequency attached by ClinVar (database versions not stated): gnomAD exomes below 0.00001.
gnomAD v4.1: 1 of 1,613,860 alleles (0.000062%); highest among the groups gnomAD compares: Non-Finnish European, 0.000085%; no homozygotes.

Submission:

GeneDx
Classification: Uncertain significance. Last evaluated: 2022-08-05. Review status: criteria provided, single submitter. Criteria: GeneDx Variant Classification Process June 2021. Collection method: clinical testing. Allele origin: germline. Affected: yes.
Comment: Not observed at significant frequency in large population cohorts (gnomAD); In silico analysis supports that this missense variant does not alter protein structure/function; Has not been previously published as pathogenic or benign to our knowledge